The following is an entry in ClinVar:

NM_002180.3(IGHMBP2):c.2132G>A (p.Ser711Asn)

Gene: IGHMBP2 (immunoglobulin mu DNA binding protein 2; plus strand). Cytogenetic location: 11q13.3.
Variant type: single nucleotide variant.
Coding change: c.2132G>A on transcript NM_002180.3 (MANE Select); coding-DNA position 2132, G replaced by A.
Protein change: p.Ser711Asn; replaces serine 711 with asparagine.
Molecular consequence: missense variant.
Genome position (GRCh38, 1-based): chr11:68,936,612, G>A. VCF-style: chr11-68936612-G-A. GRCh37 (hg19) VCF-style: chr11-68704080-G-A.
Other names: short protein forms S711N.
Identifiers: ClinVar variation 4037844 (VCV004037844.2).

ClinVar aggregate classification (germline): Uncertain significance. Review status: criteria provided, multiple submitters, no conflicts (2 of 4 stars). 2 submissions from 2 submitters: Uncertain significance (2). Last evaluated 2025-05-19.

Conditions:
Inborn genetic diseases. Identifiers: MedGen C0950123, MeSH D030342.

gnomAD v4.1: 38 of 1,613,578 alleles (0.0024%); highest among the groups gnomAD compares: Non-Finnish European, 0.0027%; no homozygotes.

Submissions (2):

GeneDx
Classification: Uncertain significance. Last evaluated: 2025-05-19. Review status: criteria provided, single submitter. Criteria: GeneDx Variant Classification Process June 2021. Collection method: clinical testing. Allele origin: germline. Affected: yes.
Comment: Not observed at significant frequency in large population cohorts (gnomAD); In silico analysis suggests that this missense variant does not alter protein structure/function; Has not been previously published as pathogenic or benign to our knowledge

Ambry Genetics
Classification: Uncertain significance for Inborn genetic diseases. Last evaluated: 2025-05-11. Review status: criteria provided, single submitter. Criteria: Ambry Variant Classification Scheme 2023. Collection method: clinical testing. Allele origin: germline.